The following is an entry in ClinVar:

ClinVar aggregate classification (germline): Uncertain significance (1 of 4 stars; one submission).

Allele frequency attached by ClinVar (database versions not stated): TOPMed below 0.00001; gnomAD 0.00002.

Submission:

Labcorp Genetics (formerly Invitae), Labcorp
Classification: Uncertain significance. Last evaluated: 2022-06-20. Review status: criteria provided, single submitter. Criteria: Invitae Variant Classification Sherloc (09022015). Collection method: clinical testing. Allele origin: germline.
Comment: This sequence change creates a premature translational stop signal (p.Gln501Argfs*184) in the LOXL3 gene. It is expected to result in an absent or disrupted protein product. However, the current clinical and genetic evidence is not sufficient to establish whether loss-of-function variants in LOXL3 cause disease. This variant is not present in population databases (gnomAD no frequency). This variant has not been reported in the literature in individuals affected with LOXL3-related conditions. In summary, the available evidence is currently insufficient to determine the role of this variant in disease. Therefore, it has been classified as a Variant of Uncertain Significance.

NM_032603.5(LOXL3):c.1502del (p.Gln501fs)

Gene: LOXL3 (lysyl oxidase like 3; minus strand). Cytogenetic location: 2p13.1.
Variant type: Deletion.
Coding change: c.1502del on transcript NM_032603.5 (MANE Select); coding-DNA position 1502, one base deleted (A; older notation c.1502delA).
Protein change: p.Gln501fs; shifts the reading frame from glutamine 501.
Molecular consequence: frameshift variant.
Genome position (GRCh38, 1-based): chr2:74,535,369, T deleted on the plus strand (A on the coding strand, the reverse complement: LOXL3 is on the minus strand). VCF-style (leftmost placement, unchanged base first): chr2-74535368-CT-C. GRCh37 (hg19) VCF-style: chr2-74762495-CT-C.
Other names: c.1067del, p.Gln356fs (NM_001289164.3); c.419del, p.Gln140fs (NM_001289165.2); short protein forms Q501fs, Q356fs, Q140fs.
Identifiers: ClinVar variation 1449134 (VCV001449134.6), dbSNP rs1372698977, ClinGen allele CA892935639.